The following is an entry in ClinVar:

ClinVar aggregate classification (germline): Pathogenic (1 of 4 stars; one submission).

Submission:

Labcorp Genetics (formerly Invitae), Labcorp
Classification: Pathogenic. Last evaluated: 2022-09-07. Review status: criteria provided, single submitter. Criteria: Invitae Variant Classification Sherloc (09022015). Collection method: clinical testing. Allele origin: germline.
Comment: For these reasons, this variant has been classified as Pathogenic. This premature translational stop signal has been observed in individual(s) with clinical features of NEXMIF-related conditions (PMID: 25473036). This variant is not present in population databases (gnomAD no frequency). This sequence change creates a premature translational stop signal (p.Gln856*) in the NEXMIF gene. It is expected to result in an absent or disrupted protein product. Loss-of-function variants in NEXMIF are known to be pathogenic (PMID: 23615299).

Literature cited by the submitters: PubMed 25473036; PubMed 23615299.

NM_001008537.3(NEXMIF):c.2566C>T (p.Gln856Ter)

Gene: NEXMIF (neurite extension and migration factor; minus strand). Cytogenetic location: Xq13.3.
Variant type: single nucleotide variant.
Coding change: c.2566C>T on transcript NM_001008537.3 (MANE Select); coding-DNA position 2566, C replaced by T.
Protein change: p.Gln856Ter; replaces glutamine 856 with a stop codon.
Molecular consequence: nonsense.
Genome position (GRCh38, 1-based): chrX:74,741,991, G>A on the plus strand (C>T on the coding strand, the complement: NEXMIF is on the minus strand). VCF-style: chrX-74741991-G-A. GRCh37 (hg19) VCF-style: chrX-73961826-G-A.
Other names: short protein forms Q856*.
Identifiers: ClinVar variation 2138612 (VCV002138612.4), dbSNP rs2519913721, ClinGen allele CA413667936.